The following is an entry in ClinVar:

ClinVar aggregate classification (germline): Uncertain significance (1 of 4 stars; one submission).

gnomAD v4.1: 1 of 1,614,116 alleles (0.000062%); highest among the groups gnomAD compares: African/African-American, 0.0013%; no homozygotes.

Submission:

GeneDx
Classification: Uncertain significance. Last evaluated: 2024-05-31. Review status: criteria provided, single submitter. Criteria: GeneDx Variant Classification Process June 2021. Collection method: clinical testing. Allele origin: germline. Affected: yes.
Comment: Not observed at significant frequency in large population cohorts (gnomAD); In silico analysis supports that this missense variant has a deleterious effect on protein structure/function; Has not been previously published as pathogenic or benign to our knowledge

NM_006796.3(AFG3L2):c.1003G>C (p.Asp335His)

Gene: AFG3L2 (AFG3 like matrix AAA peptidase subunit 2; minus strand). Cytogenetic location: 18p11.21.
Variant type: single nucleotide variant.
Coding change: c.1003G>C on transcript NM_006796.3 (MANE Select); coding-DNA position 1003, G replaced by C.
Protein change: p.Asp335His; replaces aspartic acid 335 with histidine.
Molecular consequence: missense variant.
Genome position (GRCh38, 1-based): chr18:12,358,693, C>G on the plus strand (G>C on the coding strand, the complement: AFG3L2 is on the minus strand). VCF-style: chr18-12358693-C-G. GRCh37 (hg19) VCF-style: chr18-12358692-C-G.
Other names: short protein forms D335H.
Identifiers: ClinVar variation 3383895 (VCV003383895.1).